The following is an entry in ClinVar:

ClinVar aggregate classification (germline): Uncertain significance (1 of 4 stars; one submission).

Conditions:
Symmetrical dyschromatosis of extremities (DSH). Also called: RETICULATE ACROPIGMENTATION OF DOHI; SYMMETRIC DYSCHROMATOSIS OF THE EXTREMITIES; DYSCHROMATOSIS SYMMETRICA HEREDITARIA 1; Dyschromatosis symmetrica hereditaria. Identifiers: Orphanet 41, MedGen C0406775, MONDO:0007483, OMIM 127400.
Aicardi-Goutieres syndrome 6 (AGS6). Identifiers: Orphanet 51, MedGen C3539013, MONDO:0014007, OMIM 615010.

Allele frequency attached by ClinVar (database versions not stated): gnomAD exomes below 0.00001.
gnomAD v4.1: 1 of 1,614,246 alleles (0.000062%); highest among the groups gnomAD compares: Non-Finnish European, 0.000085%; no homozygotes.

Submission:

Labcorp Genetics (formerly Invitae), Labcorp
Classification: Uncertain significance for Aicardi-Goutieres syndrome 6; Symmetrical dyschromatosis of extremities. Last evaluated: 2022-05-28. Review status: criteria provided, single submitter. Criteria: Invitae Variant Classification Sherloc (09022015). Collection method: clinical testing. Allele origin: germline.
Comment: In summary, the available evidence is currently insufficient to determine the role of this variant in disease. Therefore, it has been classified as a Variant of Uncertain Significance. Algorithms developed to predict the effect of missense changes on protein structure and function output the following: SIFT: "Tolerated"; PolyPhen-2: "Benign"; Align-GVGD: "Class C0". The glycine amino acid residue is found in multiple mammalian species, which suggests that this missense change does not adversely affect protein function. This variant has not been reported in the literature in individuals affected with ADAR-related conditions. This variant is not present in population databases (gnomAD no frequency). This sequence change replaces serine, which is neutral and polar, with glycine, which is neutral and non-polar, at codon 208 of the ADAR protein (p.Ser208Gly).

NM_001111.5(ADAR):c.622A>G (p.Ser208Gly)

Gene: ADAR (adenosine deaminase RNA specific; minus strand). Cytogenetic location: 1q21.3.
Variant type: single nucleotide variant.
Coding change: c.622A>G on transcript NM_001111.5 (MANE Select); coding-DNA position 622, A replaced by G.
Protein change: p.Ser208Gly; replaces serine 208 with glycine.
Molecular consequence: missense variant. On other transcripts: 5 prime UTR variant (6).
Genome position (GRCh38, 1-based): chr1:154,602,020, T>C on the plus strand (A>G on the coding strand, the complement: ADAR is on the minus strand). VCF-style: chr1-154602020-T-C. GRCh37 (hg19) VCF-style: chr1-154574496-T-C.
Other names: c.-264A>G (NM_001025107.3, NM_001193495.2, NM_001365046.1 and 3 more transcripts); c.649A>G, p.Ser217Gly (NM_001365045.1); c.622A>G, p.Ser208Gly (NM_015840.4, NM_015841.4); short protein forms S208G, S217G.
Identifiers: ClinVar variation 2000041 (VCV002000041.4), dbSNP rs2526662375, ClinGen allele CA342600761.